The following is an entry in ClinVar:

NM_020921.4(NIN):c.3007C>G (p.Arg1003Gly)

Gene: NIN (ninein; minus strand). Cytogenetic location: 14q22.1.
Variant type: single nucleotide variant.
Coding change: c.3007C>G on transcript NM_020921.4 (MANE Select); coding-DNA position 3007, C replaced by G.
Protein change: p.Arg1003Gly; replaces arginine 1003 with glycine.
Molecular consequence: missense variant. On other transcripts: intron variant (1).
Genome position (GRCh38, 1-based): chr14:50,758,023, G>C on the plus strand (C>G on the coding strand, the complement: NIN is on the minus strand). VCF-style: chr14-50758023-G-C. GRCh37 (hg19) VCF-style: chr14-51224741-G-C.
Other names: c.3007C>G, p.Arg1003Gly (NM_182944.3, NM_182946.2); c.2399+1834C>G (NM_016350.5); short protein forms R1003G.
Identifiers: ClinVar variation 211605 (VCV000211605.10), dbSNP rs751569014, ClinGen allele CA208955.

ClinVar aggregate classification (germline): Uncertain significance. Review status: criteria provided, multiple submitters, no conflicts (2 of 4 stars). 3 submissions from 3 submitters: Uncertain significance (3). Last evaluated 2026-01-06.

Allele frequency attached by ClinVar (database versions not stated): TOPMed 0.00002.
gnomAD v4.1: 12 of 1,614,118 alleles (0.00074%); highest among the groups gnomAD compares: Admixed American, 0.012%; no homozygotes.

Submissions (3):

Labcorp Genetics (formerly Invitae), Labcorp
Classification: Uncertain significance. Last evaluated: 2026-01-06. Review status: criteria provided, single submitter. Criteria: Invitae Variant Classification Sherloc (09022015). Collection method: clinical testing. Allele origin: germline.
Comment: This sequence change replaces arginine, which is basic and polar, with glycine, which is neutral and non-polar, at codon 1003 of the NIN protein (p.Arg1003Gly). This variant is present in population databases (no rsID available, gnomAD 0.01%). This variant has not been reported in the literature in individuals affected with NIN-related conditions. ClinVar contains an entry for this variant (Variation ID: 211605). An algorithm developed to predict the effect of missense changes on protein structure and function (PolyPhen-2) suggests that this variant is likely to be tolerated. In summary, the available evidence is currently insufficient to determine the role of this variant in disease. Therefore, it has been classified as a Variant of Uncertain Significance.

Ambry Genetics
Classification: Uncertain significance. Last evaluated: 2025-06-06. Review status: criteria provided, single submitter. Criteria: Ambry Variant Classification Scheme 2023. Collection method: clinical testing. Allele origin: germline.

Genetic Services Laboratory, University of Chicago
Classification: Uncertain significance. Last evaluated: 2014-12-12. Review status: criteria provided, single submitter. Criteria: ACMG Guidelines, 2015. Collection method: clinical testing. Allele origin: germline.